The following continues an entry in ClinVar:

NM_000552.5(VWF):c.4883T>C (p.Ile1628Thr)

Gene: VWF. ClinVar aggregate classification (germline): Pathogenic. Pathogenic (1).

Submissions 8 to 16 of 16:

Neuberg Centre For Genomic Medicine, NCGM
Classification: Pathogenic for von Willebrand disease type 2. Last evaluated: 2023-07-22. Review status: criteria provided, single submitter. Criteria: ACMG Guidelines, 2015. Collection method: clinical testing. Allele origin: germline. Inheritance: Autosomal dominant inheritance. Affected: yes. Not counted in ClinVar's aggregate classification.
Comment: The observed missense c.4883T>Cp.Ile1628Thr variant in VWF gene has been previously observed in heterozygous and compound heterozygous states in multiple individuals affected with von Willebrand disease Woods AI et al.,2011; Ahmad F et al.,2014. This variant has also been observed to be segregated with disease in related individuals Woods AI et al.,2011. Experimental studies of this variant have demonstrated loss of high molecular weight multimers due to hypersensitivity to ADAMTS13 induced increased proteolysis in plasma Michiels JJ, et al.,2017 The p.Ile1628Thr variant is absent in gnomAD exomes. This variant has been submitted to ClinVar as Pathogenic multiple submissions. Multiple lines of computational evidences MutationTaster - Disease causing, SIFT- Damaging and Polyphen - Benign predict a conflicting evidence on protein structure and function for this variant. The reference amino acid change at this position on VWF gene is predicted as conserved by GERP++ and PhyloP across 100 vertebrates. The amino acid Ile at position 1628 is changed to a Thr changing protein sequence and it might alter its composition and physico-chemical properties. For these reasons, this variant has been classified as Pathogenic.

Genetics and Molecular Pathology, SA Pathology
Classification: Pathogenic for von Willebrand disease type 2. Last evaluated: 2022-04-07. Review status: criteria provided, single submitter. Criteria: ACMG Guidelines, 2015. Collection method: clinical testing. Allele origin: germline. Affected: yes. Not counted in ClinVar's aggregate classification.

NIHR Bioresource Rare Diseases, University of Cambridge
Classification: Pathogenic for von Willebrand disorder. Last evaluated: 2019-02-01. Review status: criteria provided, single submitter. Criteria: ACMG Guidelines, 2015. Collection method: research. Allele origin: unknown. Affected: yes. Observed: 1 heterozygote, 1 compound heterozygote. Study: ThromboGenomics. Not counted in ClinVar's aggregate classification.

Versiti Diagnostic Laboratories, Versiti, Inc
Classification: Pathogenic for von Willebrand disease, type 2a. Last evaluated: 2019-01-21. Review status: criteria provided, single submitter. Criteria: Versiti Assertion Criteria. Collection method: clinical testing. Allele origin: germline. Affected: yes. Observed: 6 variant alleles. Not counted in ClinVar's aggregate classification.
Comment: The missense variant VWF c.4883T>C, p.Ile1628Thr (p.I1628T) in exon 28 changes amino acid isoleucine at codon 1628 to threonine. The isoleucine at this residue is highly conserved among species. This amino acid change occurs in the A2 domain, a functional domain that is cleaved by ADAMTS13 (Springer, 2014). This sequence variant has been previously reported in patients with type 2A von Willebrand disease (Iannuzzi, 1991; Hassenpflug, 2006; Ahmed, 2013) and has been observed in multiple patients with type 2A VWD in our laboratory cohort. Functional studies of the variant in mammalian cells demonstrated loss of high molecular weight multimers (Hassenpflug, 2006) due to hypersensitivity to ADAMTS13 induced increased proteolysis in plasma (Michiels, 2017). To date, this variant has not been reported in the general population (GnomAD, Exome Variant Server). In summary, the collective evidence supports VWF c.4883T>C, p.Ile1628Thr as a pathogenic variant in regards to type 2A von Willebrand disease.

Illumina Laboratory Services, Illumina
Classification: Pathogenic for von Willebrand disorder. Last evaluated: 2018-10-22. Review status: criteria provided, single submitter. Criteria: ICSL Variant Classification Criteria 09 May 2019. Collection method: clinical testing. Allele origin: germline. Not counted in ClinVar's aggregate classification.
Comment: The VWD c.4883T>C (p.Ile1628Thr) missense variant has been reported in at least four studies in which it is found in at least 28 individuals with different subtypes of von Willebrand disease (VWD) (Iannuzzi et al. 1991; Melo-Nava et al. 2007; Woods et al. 2011, Ahmad et al. 2014). In one study the p.Ile1628Thr variant was found in a heterozygous state in 18 individuals affected with type 2A VWD and was shown to segregate with disease across three generations, where the authors note that all affected family members were heterozygous for the variant, while none of the unaffected members carried the variant, however only exon 28 of the VWF gene was sequenced in this study (Iannuzzi et al. 1991). In a second study, the variant was found in a heterozygous state in five individuals, all with type 2A VWD, one with mild bleeding severity, three with moderate bleeding severity and one with severe bleeding severity (Melo-Nava et al. 2007). The father and sister were affected with type 2M VWD and heterozygous for the p.Ile1628Thr variant. Two further individuals with type 2A VWD and heterozygous for the p.Ile1628Thr variant were also reported. Both mothers and one sister also carried the variant, but their affected status was not clear (Ahmed et al. 2014). The p.Ile1628Thr variant was absent from 334 control alleles and is not found in the 1000 Genomes Project, the Exome Sequencing Project, the Exome Aggregation Consortium, or the Genome Aggregation Database, in a region with good sequence coverage and hence is presumed to be rare. Functional studies demonstrated that the recombinant variant protein had little or no effect on the ADAMTS13-dependent proteolysis of VWF when compared to wild type (Hassenpflug et al. 2006; Zanardelli et al. 2006). Structural studies showed that the variant destabilized the native folded state of the protein and lowered the in silico tensile force which is important in the first event of the unfolding pathway (Interlandi et al. 2012). Based on the collective evidence, the p.Ile1628Thr variant is classified as pathogenic for von Willebrand disease. This variant was observed by ICSL as part of a predisposition screen in an ostensibly healthy population.

Angelo Bianchi Bonomi Hemophilia and Thrombosis Center, Fondazione IRCCS Ca Granda Ospedale Maggiore Policlinico
Classification: Pathogenic for von Willebrand disease type 2. Last evaluated: 2022-04-26. Review status: no assertion criteria provided. Collection method: clinical testing. Allele origin: germline. Affected: yes. Not counted in ClinVar's aggregate classification.

OMIM
Classification: Pathogenic for VON WILLEBRAND DISEASE, TYPE 2A. Last evaluated: 2010-05-01. Review status: no assertion criteria provided. Collection method: literature only. Allele origin: germline. Not counted in ClinVar's aggregate classification.

Academic Unit of Haematology, University of Sheffield
No classification provided. Review status: no classification provided. Collection method: not provided. Allele origin: not provided. Not counted in ClinVar's aggregate classification.

ISTH-SSC Genomics in Thrombosis and Hemostasis, KU Leuven, Center for Molecular and Vascular Biology
Classification: Pathogenic for von Willebrand disorder. Review status: no assertion criteria provided. Collection method: research. Allele origin: unknown. Affected: yes. Not counted in ClinVar's aggregate classification.
Comment: Submitted to GoldVariant by Dr Karyn Mégy from NIHR Bioresource - Cambridge University, UK

Literature cited by the submitters: PubMed 8348943 (cited by Quest Diagnostics Nichols Institute San Juan Capistrano); PubMed 9198195 (cited by Quest Diagnostics Nichols Institute San Juan Capistrano); PubMed 22871923 (cited by Quest Diagnostics Nichols Institute San Juan Capistrano and Mayo Clinic Laboratories, Mayo Clinic); PubMed 23179108 (cited by Quest Diagnostics Nichols Institute San Juan Capistrano); PubMed 26988807 (cited by 3 submitters); PubMed 28536718 (cited by Quest Diagnostics Nichols Institute San Juan Capistrano); PubMed 28971901 (cited by Quest Diagnostics Nichols Institute San Juan Capistrano and Mayo Clinic Laboratories, Mayo Clinic); PubMed 31939074 (cited by Quest Diagnostics Nichols Institute San Juan Capistrano); PubMed 33556167 (cited by Quest Diagnostics Nichols Institute San Juan Capistrano); PubMed 33807613 (cited by Quest Diagnostics Nichols Institute San Juan Capistrano); PubMed 34130347 (cited by Quest Diagnostics Nichols Institute San Juan Capistrano); PubMed 37872709 (cited by Quest Diagnostics Nichols Institute San Juan Capistrano); PubMed 31064749 (cited by 3 submitters); PubMed 27443694 (cited by Quest Diagnostics Nichols Institute San Juan Capistrano and Versiti Diagnostic Laboratories, Versiti, Inc); PubMed 24712919 (cited by 5 submitters); PubMed 23110044 (cited by 3 submitters); PubMed 22102201 (cited by 3 submitters); PubMed 17681836 (cited by 3 submitters); PubMed 16322474 (cited by 4 submitters); PubMed 16221672 (cited by Quest Diagnostics Nichols Institute San Juan Capistrano and Illumina Laboratory Services, Illumina); PubMed 1673047 (cited by 5 submitters); PubMed 35452508 (cited by Mayo Clinic Laboratories, Mayo Clinic); PubMed 24928861 (cited by Versiti Diagnostic Laboratories, Versiti, Inc); PubMed 20409624 (cited by OMIM); PubMed 2385594 (cited by OMIM).